The following is an entry in ClinVar:

NM_001458.5(FLNC):c.5011A>G (p.Lys1671Glu)

Gene: FLNC (filamin C; plus strand). Cytogenetic location: 7q32.1.
Variant type: single nucleotide variant.
Coding change: c.5011A>G on transcript NM_001458.5 (MANE Select); coding-DNA position 5011, A replaced by G.
Protein change: p.Lys1671Glu; replaces lysine 1671 with glutamic acid.
Molecular consequence: missense variant.
Genome position (GRCh38, 1-based): chr7:128,849,390, A>G. VCF-style: chr7-128849390-A-G. GRCh37 (hg19) VCF-style: chr7-128489444-A-G.
Other names: c.5011A>G, p.Lys1671Glu (NM_001127487.2); short protein forms K1671E.
Identifiers: ClinVar variation 573593 (VCV000573593.9), dbSNP rs1563000088, ClinGen allele CA369203986.

ClinVar aggregate classification (germline): Uncertain significance (1 of 4 stars; one submission).

Conditions:
Myofibrillar myopathy 5. Also called: FILAMINOPATHY, AUTOSOMAL DOMINANT; Filaminopathy (type). Identifiers: Orphanet 171445, MedGen C1836050, MONDO:0012289, OMIM 609524.
Hypertrophic cardiomyopathy 26. Also called: Cardiomyopathy, familial hypertrophic, 26. Identifiers: Orphanet 75249, MedGen C4310749, MONDO:0014883, OMIM 617047.
Distal myopathy with posterior leg and anterior hand involvement. Also called: WILLIAMS DISTAL MYOPATHY. Identifiers: Orphanet 63273, MedGen C3279722, MONDO:0013550, OMIM 614065.

gnomAD v4.1: 1 of 1,614,068 alleles (0.000062%); no homozygotes.

Submission:

Labcorp Genetics (formerly Invitae), Labcorp
Classification: Uncertain significance for Distal myopathy with posterior leg and anterior hand involvement; Myofibrillar myopathy 5; Hypertrophic cardiomyopathy 26. Last evaluated: 2018-01-01. Review status: criteria provided, single submitter. Criteria: Invitae Variant Classification Sherloc (09022015). Collection method: clinical testing. Allele origin: germline.
Comment: In summary, the available evidence is currently insufficient to determine the role of this variant in disease. Therefore, it has been classified as a Variant of Uncertain Significance. Algorithms developed to predict the effect of missense changes on protein structure and function do not agree on the potential impact of this missense change (SIFT: "Tolerated"; PolyPhen-2: "Probably Damaging"; Align-GVGD: "Class C0"). This variant has not been reported in the literature in individuals with FLNC-related disease. This variant is not present in population databases (ExAC no frequency). This sequence change replaces lysine with glutamic acid at codon 1671 of the FLNC protein (p.Lys1671Glu). The lysine residue is highly conserved and there is a small physicochemical difference between lysine and glutamic acid.